The following is an entry in ClinVar:

ClinVar aggregate classification (germline): Uncertain significance (1 of 4 stars; one submission).

Conditions:
Craniolenticulosutural dysplasia (CLSD). Also called: BOYADJIEV-JABS SYNDROME. Identifiers: Orphanet 50814, MedGen C1843042, MONDO:0011911, OMIM 607812.

Allele frequency attached by ClinVar (database versions not stated): gnomAD exomes below 0.00001.
gnomAD v4.1: 6 of 1,596,392 alleles (0.00038%); highest among the groups gnomAD compares: Non-Finnish European, 0.00052%; no homozygotes.

Submission:

Labcorp Genetics (formerly Invitae), Labcorp
Classification: Uncertain significance for Craniolenticulosutural dysplasia. Last evaluated: 2022-09-19. Review status: criteria provided, single submitter. Criteria: Invitae Variant Classification Sherloc (09022015). Collection method: clinical testing. Allele origin: germline.
Comment: ClinVar contains an entry for this variant (Variation ID: 1469786). Advanced modeling of protein sequence and biophysical properties (such as structural, functional, and spatial information, amino acid conservation, physicochemical variation, residue mobility, and thermodynamic stability) performed at Invitae indicates that this missense variant is not expected to disrupt SEC23A protein function. In summary, the available evidence is currently insufficient to determine the role of this variant in disease. Therefore, it has been classified as a Variant of Uncertain Significance. This sequence change replaces threonine, which is neutral and polar, with asparagine, which is neutral and polar, at codon 573 of the SEC23A protein (p.Thr573Asn). This variant is not present in population databases (gnomAD no frequency). This variant has not been reported in the literature in individuals affected with SEC23A-related conditions.

NM_006364.4(SEC23A):c.1718C>A (p.Thr573Asn)

Gene: SEC23A (SEC23 homolog A, COPII component; minus strand). Cytogenetic location: 14q21.1.
Variant type: single nucleotide variant.
Coding change: c.1718C>A on transcript NM_006364.4 (MANE Select); coding-DNA position 1718, C replaced by A.
Protein change: p.Thr573Asn; replaces threonine 573 with asparagine.
Molecular consequence: missense variant.
Genome position (GRCh38, 1-based): chr14:39,048,671, G>T on the plus strand (C>A on the coding strand, the complement: SEC23A is on the minus strand). VCF-style: chr14-39048671-G-T. GRCh37 (hg19) VCF-style: chr14-39517875-G-T.
Other names: short protein forms T573N.
Identifiers: ClinVar variation 1469786 (VCV001469786.6), dbSNP rs2139199749, ClinGen allele CA389533120.